The following is an entry in ClinVar:

ClinVar aggregate classification (germline): Likely benign. Review status: criteria provided, multiple submitters, no conflicts (2 of 4 stars). 5 submissions from 5 submitters: Likely benign (3). 2 of the submissions do not count toward it. Last evaluated 2025-08-14.

Conditions:
TTN-related disorder. Also called: TTN-related condition; TTN-related disease; TTN-related disorders.
Dilated cardiomyopathy 1G (CMD1G). Identifiers: Orphanet 154, MedGen C1858763, MONDO:0011400, OMIM 604145.
Autosomal recessive limb-girdle muscular dystrophy type 2J (LGMDR10). Also called: Limb-girdle muscular dystrophy, type 2J; MUSCULAR DYSTROPHY, LIMB-GIRDLE, AUTOSOMAL RECESSIVE 10. Identifiers: Orphanet 140922, MedGen C1837342, MONDO:0012127, OMIM 608807.

Allele frequency attached by ClinVar (database versions not stated): gnomAD exomes 0.00002 and 0.00005; ExAC 0.00005.
gnomAD v4.1: 36 of 1,613,448 alleles (0.0022%); highest among the groups gnomAD compares: South Asian, 0.034%; no homozygotes.

Submissions (5):

PreventionGenetics, part of Exact Sciences
Classification: Likely benign for TTN-related condition. Last evaluated: 2025-08-14. Review status: criteria provided, single submitter. Criteria: ACMG Guidelines, 2015. Collection method: clinical testing. Allele origin: germline.
Comment: This variant is classified as likely benign based on ACMG/AMP sequence variant interpretation guidelines (Richards et al. 2015 PMID: 25741868, with internal and published modifications).

Labcorp Genetics (formerly Invitae), Labcorp
Classification: Likely benign for Dilated cardiomyopathy 1G; Autosomal recessive limb-girdle muscular dystrophy type 2J. Last evaluated: 2025-02-15. Review status: criteria provided, single submitter. Criteria: Invitae Variant Classification Sherloc (09022015). Collection method: clinical testing. Allele origin: germline.

Blueprint Genetics
Classification: Likely benign. Last evaluated: 2024-05-03. Review status: criteria provided, single submitter. Criteria: ACMG Guidelines, 2015. Collection method: clinical testing. Allele origin: germline.

Clinical Genetics DNA and cytogenetics Diagnostics Lab, Erasmus MC, Erasmus Medical Center
Classification: Likely benign. Review status: no assertion criteria provided. Collection method: clinical testing. Allele origin: germline. Affected: yes. Study: VKGL Data-share Consensus. Not counted in ClinVar's aggregate classification.

Clinical Genetics, Academic Medical Center
Classification: Benign. Review status: no assertion criteria provided. Collection method: clinical testing. Allele origin: germline. Affected: yes. Study: VKGL Data-share Consensus. Not counted in ClinVar's aggregate classification.

NM_001267550.2(TTN):c.69492G>A (p.Val23164=)

Genes: TTN (titin; minus strand), TTN-AS1 (TTN antisense RNA 1; plus strand). Cytogenetic location: 2q31.2.
Variant type: single nucleotide variant.
Coding change: c.69492G>A on transcript NM_001267550.2 (MANE Select); coding-DNA position 69492, G replaced by A.
Protein change: p.Val23164=; no amino-acid change (valine 23164 retained).
Molecular consequence: synonymous variant.
Genome position (GRCh38, 1-based): chr2:178,576,752, C>T on the plus strand (G>A on the coding strand, the complement: TTN is on the minus strand). VCF-style: chr2-178576752-C-T. GRCh37 (hg19) VCF-style: chr2-179441479-C-T.
Other names: c.64569G>A, p.Val21523= (NM_001256850.1); c.42297G>A, p.Val14099= (NM_003319.4); c.61788G>A, p.Val20596= (NM_133378.4); c.42672G>A, p.Val14224= (NM_133432.3); c.42873G>A, p.Val14291= (NM_133437.4).
Identifiers: ClinVar variation 1284544 (VCV001284544.13), dbSNP rs751921225, ClinGen allele CA1990931.